The following is an entry in ClinVar:

ClinVar aggregate classification (germline): Uncertain significance (1 of 4 stars; one submission).

Submission:

Labcorp Genetics (formerly Invitae), Labcorp
Classification: Uncertain significance. Last evaluated: 2022-03-13. Review status: criteria provided, single submitter. Criteria: Invitae Variant Classification Sherloc (09022015). Collection method: clinical testing. Allele origin: germline.
Comment: In summary, the available evidence is currently insufficient to determine the role of this variant in disease. Therefore, it has been classified as a Variant of Uncertain Significance. Algorithms developed to predict the effect of missense changes on protein structure and function (SIFT, PolyPhen-2, Align-GVGD) all suggest that this variant is likely to be tolerated. This variant has not been reported in the literature in individuals affected with SUCO-related conditions. This variant is not present in population databases (gnomAD no frequency). This sequence change replaces tryptophan, which is neutral and slightly polar, with arginine, which is basic and polar, at codon 21 of the SUCO protein (p.Trp21Arg).

NM_014283.5(SUCO):c.61T>C (p.Trp21Arg)

Genes: SUCO (SUN domain containing ossification factor; plus strand), LOC129931914 (ATAC-STARR-seq lymphoblastoid active region 2094; plus strand). Cytogenetic location: 1q24.3.
Variant type: single nucleotide variant.
Coding change: c.61T>C on transcript NM_014283.5 (MANE Select); coding-DNA position 61, T replaced by C.
Protein change: p.Trp21Arg; replaces tryptophan 21 with arginine.
Molecular consequence: missense variant. On other transcripts: 5 prime UTR variant (1).
Genome position (GRCh38, 1-based): chr1:172,533,496, T>C. VCF-style: chr1-172533496-T-C. GRCh37 (hg19) VCF-style: chr1-172502636-T-C.
Other names: c.61T>C, p.Trp21Arg (NM_001282750.2); c.-1469T>C (NM_001282751.2); c.646T>C, p.Trp216Arg (NM_016227.4); short protein forms W216R, W21R.
Identifiers: ClinVar variation 2111134 (VCV002111134.4), dbSNP rs1237933721, ClinGen allele CA343734495.